The following is an entry in ClinVar:

NM_018062.4(FANCL):c.500T>C (p.Val167Ala)

Gene: FANCL (FA complementation group L; minus strand). Cytogenetic location: 2p16.1.
Variant type: single nucleotide variant.
Coding change: c.500T>C on transcript NM_018062.4 (MANE Select); coding-DNA position 500, T replaced by C.
Protein change: p.Val167Ala; replaces valine 167 with alanine.
Molecular consequence: missense variant.
Genome position (GRCh38, 1-based): chr2:58,198,634, A>G on the plus strand (T>C on the coding strand, the complement: FANCL is on the minus strand). VCF-style: chr2-58198634-A-G. GRCh37 (hg19) VCF-style: chr2-58425769-A-G.
Other names: c.500T>C, p.Val167Ala (NM_001114636.2, NM_001374615.1, NM_001410792.1); short protein forms V167A.
Identifiers: ClinVar variation 1040785 (VCV001040785.12), dbSNP rs1338440311, ClinGen allele CA347033934.

ClinVar aggregate classification (germline): Uncertain significance. Review status: criteria provided, multiple submitters, no conflicts (2 of 4 stars). 5 submissions from 5 submitters: Uncertain significance (5). Last evaluated 2025-10-22.

Conditions:
Inborn genetic diseases. Identifiers: MedGen C0950123, MeSH D030342.
Fanconi anemia complementation group L (FANCL). Also called: FANCL-Related Fanconi Anemia. Identifiers: Orphanet 84, MedGen C3469528, MONDO:0013566, OMIM 614083.
Fanconi anemia (FA). Also called: Fanconi's anemia. Identifiers: Orphanet 84, MedGen C0015625, MeSH D005199, MONDO:0019391.

Allele frequency attached by ClinVar (database versions not stated): gnomAD exomes below 0.00001 and 0.00001; TOPMed 0.00001; gnomAD 0.00002.
gnomAD v4.1: 19 of 1,613,896 alleles (0.0012%); highest among the groups gnomAD compares: Non-Finnish European, 0.0016%; no homozygotes.

Submissions (5):

Ambry Genetics
Classification: Uncertain significance for Inborn genetic diseases. Last evaluated: 2025-10-22. Review status: criteria provided, single submitter. Criteria: Ambry Variant Classification Scheme 2023. Collection method: clinical testing. Allele origin: germline.

Labcorp Genetics (formerly Invitae), Labcorp
Classification: Uncertain significance for Fanconi anemia. Last evaluated: 2025-01-23. Review status: criteria provided, single submitter. Criteria: Invitae Variant Classification Sherloc (09022015). Collection method: clinical testing. Allele origin: germline.
Comment: This sequence change replaces valine, which is neutral and non-polar, with alanine, which is neutral and non-polar, at codon 167 of the FANCL protein (p.Val167Ala). This variant is present in population databases (no rsID available, gnomAD 0.002%). This variant has not been reported in the literature in individuals affected with FANCL-related conditions. ClinVar contains an entry for this variant (Variation ID: 1040785). Invitae Evidence Modeling of protein sequence and biophysical properties (such as structural, functional, and spatial information, amino acid conservation, physicochemical variation, residue mobility, and thermodynamic stability) indicates that this missense variant is not expected to disrupt FANCL protein function with a negative predictive value of 80%. In summary, the available evidence is currently insufficient to determine the role of this variant in disease. Therefore, it has been classified as a Variant of Uncertain Significance.

Fulgent Genetics
Classification: Uncertain significance for Fanconi anemia complementation group L. Last evaluated: 2024-06-20. Review status: criteria provided, single submitter. Criteria: ACMG Guidelines, 2015. Collection method: clinical testing. Allele origin: germline.

Baylor Genetics
Classification: Uncertain significance for Fanconi anemia complementation group L. Last evaluated: 2022-01-12. Review status: criteria provided, single submitter. Criteria: ACMG Guidelines, 2015. Collection method: clinical testing. Allele origin: unknown. Affected: yes. Study: CSER-TexasKidsCanSeq.
Comment: This variant was determined to be of uncertain significance according to ACMG Guidelines, 2015 [PMID:25741868].

Sema4
Classification: Uncertain significance for Fanconi anemia. Last evaluated: 2021-10-28. Review status: criteria provided, single submitter. Criteria: Sema4 Curation Guidelines. Collection method: curation. Allele origin: germline.
Comment: The FANCL c.500T>C (p.V167A) variant has not been reported in the literature to our knowledge. It was observed in 2/129152 chromosomes of the Non-Finnish European subpopulation in the large and broad cohorts of the Genome Aggregation Database (PMID: 32461654). The variant has been reported in ClinVar (Variation ID 1040785). Functional studies have not been performed, and in silico predictions of the variant's effect on protein function are inconclusive. The evidence is insufficient to meet ACMG/AMP criteria for classifying the variant as benign or pathogenic. Thus, the clinical significance of this variant is currently uncertain.